The following is an entry in ClinVar:

ClinVar aggregate classification (germline): Uncertain significance. Review status: criteria provided, multiple submitters, no conflicts (2 of 4 stars). 3 submissions from 3 submitters: Uncertain significance (3). Last evaluated 2025-04-15.

Conditions:
Inborn genetic diseases. Identifiers: MedGen C0950123, MeSH D030342.
Cardiovascular phenotype. Identifiers: MedGen CN230736.

Allele frequency attached by ClinVar (database versions not stated): ExAC 0.00007; ESP Exome Variant Server 0.00008; gnomAD 0.00009; TOPMed 0.00009; 1000 Genomes Project 0.00020; 1000 Genomes Project 30x 0.00031.
gnomAD v4.1: 98 of 1,608,550 alleles (0.0061%); highest among the groups gnomAD compares: Admixed American, 0.083%; no homozygotes.

Submissions (3):

Ambry Genetics
Classification: Uncertain significance for Inborn genetic diseases. Last evaluated: 2025-04-15. Review status: criteria provided, single submitter. Criteria: Ambry Variant Classification Scheme 2023. Collection method: clinical testing. Allele origin: germline.

Molecular Diagnostic Laboratory for Inherited Cardiovascular Disease, Montreal Heart Institute
Classification: Uncertain significance for Cardiovascular phenotype. Last evaluated: 2025-04-09. Review status: criteria provided, single submitter. Criteria: ACMG Guidelines, 2015. Collection method: clinical testing. Allele origin: germline. Affected: yes.
Comment: PM2

Blueprint Genetics
Classification: Uncertain significance. Last evaluated: 2024-09-17. Review status: criteria provided, single submitter. Criteria: ACMG Guidelines, 2015. Collection method: clinical testing. Allele origin: germline.

NM_198060.4(NRAP):c.3007C>T (p.His1003Tyr)

Gene: NRAP (nebulin related anchoring protein; minus strand). Cytogenetic location: 10q25.3.
Variant type: single nucleotide variant.
Coding change: c.3007C>T on transcript NM_198060.4 (MANE Select); coding-DNA position 3007, C replaced by T.
Protein change: p.His1003Tyr; replaces histidine 1003 with tyrosine.
Molecular consequence: missense variant.
Genome position (GRCh38, 1-based): chr10:113,615,783, G>A on the plus strand (C>T on the coding strand, the complement: NRAP is on the minus strand). VCF-style: chr10-113615783-G-A. GRCh37 (hg19) VCF-style: chr10-115375542-G-A.
Other names: c.3007C>T, p.His1003Tyr (NM_001261463.2); c.2899C>T, p.His967Tyr (NM_001322945.2); c.2902C>T, p.His968Tyr (NM_006175.5); c.3007C>T (NM_198060.3); short protein forms H968Y, H967Y, H1003Y.
Identifiers: ClinVar variation 2347924 (VCV002347924.5), dbSNP rs142577105, ClinGen allele CA5694959.